The following is an entry in ClinVar:

ClinVar aggregate classification (germline): Uncertain significance (1 of 4 stars; one submission).

Submission:

Labcorp Genetics (formerly Invitae), Labcorp
Classification: Uncertain significance. Last evaluated: 2024-03-21. Review status: criteria provided, single submitter. Criteria: Invitae Variant Classification Sherloc (09022015). Collection method: clinical testing. Allele origin: germline.
Comment: This variant, c.82_84del, results in the deletion of 1 amino acid(s) of the LRP5 protein (p.Pro28del), but otherwise preserves the integrity of the reading frame. The frequency data for this variant in the population databases is considered unreliable, as metrics indicate insufficient coverage at this position in the gnomAD database. This variant has not been reported in the literature in individuals affected with LRP5-related conditions. ClinVar contains an entry for this variant (Variation ID: 1357787). Experimental studies and prediction algorithms are not available or were not evaluated, and the functional significance of this variant is currently unknown. In summary, the available evidence is currently insufficient to determine the role of this variant in disease. Therefore, it has been classified as a Variant of Uncertain Significance.

NM_002335.4(LRP5):c.82_84del (p.Pro28del)

Gene: LRP5 (LDL receptor related protein 5; plus strand). Cytogenetic location: 11q13.2.
Variant type: Deletion.
Coding change: c.82_84del on transcript NM_002335.4 (MANE Select); coding-DNA positions 82 to 84, 3 bases deleted (CCC; older notation c.82_84delCCC).
Protein change: p.Pro28del; deletes proline 28.
Molecular consequence: inframe deletion. On other transcripts: 5 prime UTR variant (1).
Genome position (GRCh38, 1-based): chr11:68,312,796-68,312,798, CCC deleted; deleting any 3 consecutive bases within chr11:68,312,794-68,312,798 gives the same sequence; the c. name uses the placement nearest the transcript's 3' end. VCF-style (leftmost placement, unchanged base first): chr11-68312793-GCCC-G. GRCh37 (hg19) VCF-style: chr11-68080261-GCCC-G.
Other names: c.-1684_-1682del (NM_001291902.2); short protein forms P28del.
Identifiers: ClinVar variation 1357787 (VCV001357787.8), dbSNP rs1160566112, ClinGen allele CA2573147518.